The following is an entry in ClinVar:

ClinVar aggregate classification (germline): Likely benign. Review status: criteria provided, single submitter (1 of 4 stars). 2 submissions from 2 submitters: Likely benign (1). 1 of the submissions does not count toward it. Last evaluated 2025-09-08.

Conditions:
PCK1-related disorder. Also called: PCK1-related condition.

Allele frequency attached by ClinVar (database versions not stated): ExAC 0.00001; TOPMed 0.00005; gnomAD 0.00007.

Submissions (2):

Labcorp Genetics (formerly Invitae), Labcorp
Classification: Likely benign. Last evaluated: 2025-09-08. Review status: criteria provided, single submitter. Criteria: Invitae Variant Classification Sherloc (09022015). Collection method: clinical testing. Allele origin: germline.

PreventionGenetics, part of Exact Sciences
Classification: Likely benign for PCK1-related condition. Last evaluated: 2020-09-03. Review status: no assertion criteria provided. Collection method: clinical testing. Allele origin: germline. Not counted in ClinVar's aggregate classification.
Comment: This variant is classified as likely benign based on ACMG/AMP sequence variant interpretation guidelines (Richards et al. 2015 PMID: 25741868, with internal and published modifications).

NM_002591.4(PCK1):c.999C>T (p.Phe333=)

Gene: PCK1 (phosphoenolpyruvate carboxykinase 1; plus strand). Cytogenetic location: 20q13.31.
Variant type: single nucleotide variant.
Coding change: c.999C>T on transcript NM_002591.4 (MANE Select); coding-DNA position 999, C replaced by T.
Protein change: p.Phe333=; no amino-acid change (phenylalanine 333 retained).
Molecular consequence: synonymous variant.
Genome position (GRCh38, 1-based): chr20:57,564,206, C>T. VCF-style: chr20-57564206-C-T. GRCh37 (hg19) VCF-style: chr20-56139262-C-T.
Identifiers: ClinVar variation 3055085 (VCV003055085.3), dbSNP rs771109436, ClinGen allele CA9922238.
Genomic context (GRCh38, chr20:57,564,206, plus strand): 5'-TTCTCTGGTTTAAAACTCTCCAGGTCATTTAAGGGCCATCAACCCAGAAAATGGCTTTTT[C>T]GGTGTCGCTCCTGGGACTTCAGTGAAGACCAACCCCAATGCCATCAAGACCATCCAGAAG-3'
Protein context (NP_002582.3, residues 323-343): LRAINPENGF[Phe333=]GVAPGTSVKT